The following is an entry in ClinVar:

ClinVar aggregate classification (germline): Uncertain significance (1 of 4 stars; one submission).

gnomAD v4.1: 2 of 1,614,104 alleles (0.00012%); highest among the groups gnomAD compares: African/African-American, 0.0027%; no homozygotes.

Submission:

GeneDx
Classification: Uncertain significance. Last evaluated: 2023-10-20. Review status: criteria provided, single submitter. Criteria: GeneDx Variant Classification Process June 2021. Collection method: clinical testing. Allele origin: germline. Affected: yes.
Comment: Not observed at significant frequency in large population cohorts (gnomAD); In silico analysis supports that this missense variant has a deleterious effect on protein structure/function; Has not been previously published as pathogenic or benign to our knowledge

NM_002470.4(MYH3):c.3206A>G (p.Asp1069Gly)

Gene: MYH3 (myosin heavy chain 3; minus strand). Cytogenetic location: 17p13.1.
Variant type: single nucleotide variant.
Coding change: c.3206A>G on transcript NM_002470.4 (MANE Select); coding-DNA position 3206, A replaced by G.
Protein change: p.Asp1069Gly; replaces aspartic acid 1069 with glycine.
Molecular consequence: missense variant.
Genome position (GRCh38, 1-based): chr17:10,639,086, T>C on the plus strand (A>G on the coding strand, the complement: MYH3 is on the minus strand). VCF-style: chr17-10639086-T-C. GRCh37 (hg19) VCF-style: chr17-10542403-T-C.
Other names: short protein forms D1069G.
Identifiers: ClinVar variation 3366249 (VCV003366249.1).